The following is an entry in ClinVar:

NM_000186.4(CFH):c.2835G>A (p.Met945Ile)

Gene: CFH (complement factor H; plus strand). Cytogenetic location: 1q31.3.
Variant type: single nucleotide variant.
Coding change: c.2835G>A on transcript NM_000186.4 (MANE Select); coding-DNA position 2835, G replaced by A.
Protein change: p.Met945Ile; replaces methionine 945 with isoleucine.
Molecular consequence: missense variant.
Genome position (GRCh38, 1-based): chr1:196,740,671, G>A. VCF-style: chr1-196740671-G-A. GRCh37 (hg19) VCF-style: chr1-196709801-G-A.
Other names: short protein forms M945I.
Identifiers: ClinVar variation 4291516 (VCV004291516.1).

ClinVar aggregate classification (germline): Uncertain significance (1 of 4 stars; one submission).

Conditions:
Atypical hemolytic-uremic syndrome. Identifiers: Orphanet 2134, MedGen C2931788, MONDO:0016244.
Basal laminar drusen. Also called: DRUSEN OF BRUCH MEMBRANE; DRUSEN, CUTICULAR; DRUSEN, EARLY ADULT-ONSET, GROUPED. Identifiers: Orphanet 75376, MedGen C0730295, MONDO:0007472, OMIM 126700.
Factor H deficiency (CFHD). Also called: COMPLEMENT FACTOR H DEFICIENCY; CFH DEFICIENCY. Identifiers: Orphanet 200421, MedGen C0398777, MONDO:0012350, OMIM 609814.
Age related macular degeneration 4. Identifiers: MedGen C1853147, MONDO:0012540, OMIM 610698.

gnomAD v4.1: 1 of 1,613,622 alleles (0.000062%); highest among the groups gnomAD compares: Non-Finnish European, 0.000085%; no homozygotes.

Submission:

Genomenon, Inc
Classification: Uncertain significance for Basal laminar drusen; Age related macular degeneration 4; Atypical hemolytic-uremic syndrome; Factor H deficiency. Last evaluated: 2025-10-02. Review status: criteria provided, single submitter. Criteria: Genomenon Sequence Variant Interpretation Standards - Updated. Collection method: curation. Allele origin: germline. Affected: no.
Comment: CFH p.Met945Ile (c.2835G>A) is a missense variant that changes the amino acid at residue 945 from Methionine to Isoleucine. This variant has been reported in the published literature (PMID:36211394). It is absent or not present at a significant frequency in gnomAD. In silico models agree that this variant is not damaging. In conclusion, we classify CFH p.Met945Ile (c.2835G>A) as a variant of uncertain significance.

Literature cited by the submitters: PubMed 36211394.